The following is an entry in ClinVar:

ClinVar aggregate classification (germline): Uncertain significance (1 of 4 stars; one submission).

gnomAD v4.1: 9 of 1,613,874 alleles (0.00056%); highest among the groups gnomAD compares: East Asian, 0.0045%; no homozygotes.

Submission:

Labcorp Genetics (formerly Invitae), Labcorp
Classification: Uncertain significance. Last evaluated: 2024-10-15. Review status: criteria provided, single submitter. Criteria: Invitae Variant Classification Sherloc (09022015). Collection method: clinical testing. Allele origin: germline.
Comment: This sequence change replaces arginine, which is basic and polar, with histidine, which is basic and polar, at codon 647 of the ERCC2 protein (p.Arg647His). This variant is present in population databases (no rsID available, gnomAD 0.004%). This variant has not been reported in the literature in individuals affected with ERCC2-related conditions. Invitae Evidence Modeling of protein sequence and biophysical properties (such as structural, functional, and spatial information, amino acid conservation, physicochemical variation, residue mobility, and thermodynamic stability) indicates that this missense variant is expected to disrupt ERCC2 protein function with a positive predictive value of 80%. In summary, the available evidence is currently insufficient to determine the role of this variant in disease. Therefore, it has been classified as a Variant of Uncertain Significance.

NM_000400.4(ERCC2):c.1940G>A (p.Arg647His)

Gene: ERCC2 (ERCC excision repair 2, TFIIH core complex helicase subunit; minus strand). Cytogenetic location: 19q13.32.
Variant type: single nucleotide variant.
Coding change: c.1940G>A on transcript NM_000400.4 (MANE Select); coding-DNA position 1940, G replaced by A.
Protein change: p.Arg647His; replaces arginine 647 with histidine.
Molecular consequence: missense variant.
Genome position (GRCh38, 1-based): chr19:45,352,612, C>T on the plus strand (G>A on the coding strand, the complement: ERCC2 is on the minus strand). VCF-style: chr19-45352612-C-T. GRCh37 (hg19) VCF-style: chr19-45855870-C-T.
Other names: short protein forms R647H.
Identifiers: ClinVar variation 3730123 (VCV003730123.2).